The following is an entry in ClinVar:

ClinVar aggregate classification (germline): Benign/Likely benign. Review status: criteria provided, multiple submitters, no conflicts (2 of 4 stars). 11 submissions from 10 submitters: Benign (7); Likely benign (3). 1 of the submissions does not count toward it. Last evaluated 2026-02-04.

Conditions:
Retinitis pigmentosa 39 (RP39). Identifiers: Orphanet 791, MedGen C3151138, MONDO:0013436, OMIM 613809.
Usher syndrome type 2A. Also called: RETINAL DISEASE IN USHER SYNDROME TYPE IIA, MODIFIER OF; USHER SYNDROME, TYPE IIA. Identifiers: Orphanet 231178, Orphanet 886, MedGen C1848634, MONDO:0010169, OMIM 276901.

Allele frequency attached by ClinVar (database versions not stated): TOPMed 0.02475; ExAC 0.00723; gnomAD 0.02214 and 0.02380; ESP Exome Variant Server 0.02422; 1000 Genomes Project 0.02716; gnomAD exomes 0.00280 and 0.00617; 1000 Genomes Project 30x 0.02904.

Submissions (11):

Labcorp Genetics (formerly Invitae), Labcorp
Classification: Benign. Last evaluated: 2026-02-04. Review status: criteria provided, single submitter. Criteria: Invitae Variant Classification Sherloc (09022015). Collection method: clinical testing. Allele origin: germline.

Genome-Nilou Lab
Classification: Likely benign for Retinitis pigmentosa 39. Last evaluated: 2023-11-04. Review status: criteria provided, single submitter. Criteria: ACMG Guidelines, 2015. Collection method: clinical testing. Allele origin: germline. Affected: no.

Genome-Nilou Lab
Classification: Likely benign for Usher syndrome type 2A. Last evaluated: 2023-11-04. Review status: criteria provided, single submitter. Criteria: ACMG Guidelines, 2015. Collection method: clinical testing. Allele origin: germline. Affected: no.

ARUP Laboratories, Molecular Genetics and Genomics, ARUP Laboratories
Classification: Benign. Last evaluated: 2022-09-13. Review status: criteria provided, single submitter. Criteria: ARUP Molecular Germline Variant Investigation Process 2021. Collection method: clinical testing. Allele origin: germline.

Fulgent Genetics
Classification: Likely benign for Usher syndrome type 2A; Retinitis pigmentosa 39. Last evaluated: 2022-05-06. Review status: criteria provided, single submitter. Criteria: ACMG Guidelines, 2015. Collection method: clinical testing. Allele origin: unknown.

Women's Health and Genetics/Laboratory Corporation of America, LabCorp
Classification: Benign. Last evaluated: 2022-01-15. Review status: criteria provided, single submitter. Criteria: LabCorp Variant Classification Summary - May 2015. Collection method: clinical testing. Allele origin: germline.
Comment: Variant summary: USH2A c.15377T>C (p.Ile5126Thr) results in a non-conservative amino acid change in the encoded protein sequence. Three of four in-silico tools predict a benign effect of the variant on protein function. The variant allele was found at a frequency of 0.0062 in 251464 control chromosomes, predominantly at a frequency of 0.075 within the African or African-American subpopulation in the gnomAD database, including 45 homozygotes. The observed variant frequency within African or African-American control individuals in the gnomAD database is approximately 6.76 fold of the estimated maximal expected allele frequency for a pathogenic variant in USH2A causing Usher Syndrome phenotype (0.011), strongly suggesting that the variant is a benign polymorphism found primarily in populations of African or African-American origin. Three clinical diagnostic laboratories have submitted clinical-significance assessments for this variant to ClinVar after 2014 without evidence for independent evaluation. All laboratories classified the variant as benign. Based on the evidence outlined above, the variant was classified as benign.

Eurofins Ntd Llc (ga)
Classification: Benign. Last evaluated: 2015-05-20. Review status: criteria provided, single submitter. Criteria: EGL Classification Definitions 2015. Collection method: clinical testing. Allele origin: germline. Observed: 2 variant alleles, 2 heterozygotes.

GeneDx
Classification: Benign. Last evaluated: 2012-03-21. Review status: criteria provided, single submitter. Criteria: GeneDx Variant Classification (06012015). Collection method: clinical testing. Allele origin: germline. Affected: yes.
Comment: This variant is considered likely benign or benign based on one or more of the following criteria: it is a conservative change, it occurs at a poorly conserved position in the protein, it is predicted to be benign by multiple in silico algorithms, and/or has population frequency not consistent with disease.

Laboratory for Molecular Medicine, Mass General Brigham Personalized Medicine
Classification: Benign. Last evaluated: 2012-02-20. Review status: criteria provided, single submitter. Criteria: LMM Criteria. Collection method: clinical testing. Allele origin: germline. Observed: 39 variant alleles.
Comment: Ile5126Thr in exon 71 of USH2A: This variant is not expected to have clinical si gnificance because this residue is not conserved across species and computationa l analyses do not suggest a high likelihood of clinical significance. In additio n, this variant been identified in 3% (161/5018 chromosomes) of a broad populati on (dbSNP rs111033266).

Breakthrough Genomics
Classification: Benign. Review status: criteria provided, single submitter. Criteria: ACMG Guidelines, 2015. Collection method: not provided. Allele origin: germline. Inheritance: Autosomal recessive inheritance. Affected: yes.

Natera, Inc.
Classification: Benign for Usher syndrome type 2A. Last evaluated: 2020-09-16. Review status: no assertion criteria provided. Collection method: clinical testing. Allele origin: germline. Not counted in ClinVar's aggregate classification.

NM_206933.4(USH2A):c.15377T>C (p.Ile5126Thr)

Gene: USH2A (usherin; minus strand). Cytogenetic location: 1q41.
Variant type: single nucleotide variant.
Coding change: c.15377T>C on transcript NM_206933.4 (MANE Select); coding-DNA position 15377, T replaced by C.
Protein change: p.Ile5126Thr; replaces isoleucine 5126 with threonine.
Molecular consequence: missense variant.
Genome position (GRCh38, 1-based): chr1:215,628,956, A>G on the plus strand (T>C on the coding strand, the complement: USH2A is on the minus strand). VCF-style: chr1-215628956-A-G. GRCh37 (hg19) VCF-style: chr1-215802298-A-G.
Other names: p.I5126T:ATC>ACC; short protein forms I5126T.
Identifiers: ClinVar variation 48462 (VCV000048462.27), dbSNP rs111033266, ClinGen allele CA143397.